The following is an entry in ClinVar:

NC_000002.11:g.(51153094_51253508)_(51259271_?)del

Gene: NRXN1 (neurexin 1; minus strand). Cytogenetic location: 2p16.3.
Variant type: Deletion.
Identifiers: ClinVar variation 4689283 (VCV004689283.1).

ClinVar aggregate classification (germline): Pathogenic (1 of 4 stars; one submission).

Conditions:
Pitt-Hopkins-like syndrome 2 (PTHSL2). Identifiers: Orphanet 221150, Orphanet 600663, MedGen C3280479, MONDO:0013690, OMIM 614325.

Submission:

Women's Health and Genetics/Laboratory Corporation of America, LabCorp
Classification: Pathogenic for Pitt-Hopkins-like syndrome 2. Last evaluated: 2026-01-19. Review status: criteria provided, single submitter. Criteria: LabCorp Variant Classification Summary - May 2015. Collection method: clinical testing. Allele origin: germline.
Comment: Variant summary: The variant involves the deletion of exons 1-3 in the NRXN1 gene. A presumed nomenclature of c.(?_-1074)_(871+1_872-1)del has been designated for the purposes of this classification. The exact breakpoint at the 5' end of this variant is unknown, therefore this deletion may extend upstream of the annotated region of this gene. Although the exact breakpoints of this deletion are not known, it is predicted to remove the initiation codon and result in an absence of protein or a truncation of the encoded protein due to translation initiation at a downstream site. Loss-of-function variants in this gene are known to be pathogenic. The variant allele was found at a frequency of 9.2e-05 in 21694 control chromosomes. c.(?_-1074)_(871+1_872-1)del has been observed in at least one individual affected with clinical features of Pitt-Hopkins-Like Syndrome 2 (Bena_2013, Lowther_2023). These data indicate that the variant is likely to be associated with disease. To our knowledge, no experimental evidence demonstrating an impact on protein function has been reported. The following publications have been ascertained in the context of this evaluation (PMID: 23533028, 37595579). ClinVar contains an entry for this variant (Variation ID: 253637, 980986 ). Based on the evidence outlined above, the variant was classified as pathogenic.

Literature cited by the submitters: PubMed 37595579; PubMed 23533028.